The following is an entry in ClinVar:

NM_000138.5(FBN1):c.6151A>T (p.Arg2051Ter)

Gene: FBN1 (fibrillin 1; minus strand). Cytogenetic location: 15q21.1.
Variant type: single nucleotide variant.
Coding change: c.6151A>T on transcript NM_000138.5 (MANE Select); coding-DNA position 6151, A replaced by T.
Protein change: p.Arg2051Ter; replaces arginine 2051 with a stop codon.
Molecular consequence: nonsense.
Genome position (GRCh38, 1-based): chr15:48,441,733, T>A on the plus strand (A>T on the coding strand, the complement: FBN1 is on the minus strand). VCF-style: chr15-48441733-T-A. GRCh37 (hg19) VCF-style: chr15-48733930-T-A.
Other names: c.6151A>T, p.Arg2051Ter (NM_001406716.1); short protein forms R2051*.
Identifiers: ClinVar variation 2942000 (VCV002942000.3), dbSNP rs2505445905, ClinGen allele CA392337958.

ClinVar aggregate classification (germline): Pathogenic (1 of 4 stars; one submission).

Conditions:
Marfan syndrome (MFS). Also called: MARFAN SYNDROME, TYPE I; Marfan syndrome type 1; Marfan's syndrome; Marfan syndrome, classic; FBN1-Related Marfan Syndrome. Identifiers: Orphanet 284963, Orphanet 558, MedGen C0024796, MONDO:0007947, OMIM 154700.
Familial thoracic aortic aneurysm and aortic dissection (TAAD). Also called: Thoracic aortic aneurysms and dissections. Identifiers: Orphanet 91387, MedGen C4707243, MONDO:0019625.

Submission:

Labcorp Genetics (formerly Invitae), Labcorp
Classification: Pathogenic for Marfan syndrome; Familial thoracic aortic aneurysm and aortic dissection. Last evaluated: 2022-12-02. Review status: criteria provided, single submitter. Criteria: Invitae Variant Classification Sherloc (09022015). Collection method: clinical testing. Allele origin: germline.
Comment: This variant has not been reported in the literature in individuals affected with FBN1-related conditions. This variant is not present in population databases (gnomAD no frequency). This sequence change creates a premature translational stop signal (p.Arg2051*) in the FBN1 gene. It is expected to result in an absent or disrupted protein product. Loss-of-function variants in FBN1 are known to be pathogenic (PMID: 17657824, 19293843). For these reasons, this variant has been classified as Pathogenic.

Literature cited by the submitters: PubMed 17657824; PubMed 19293843.